The following is an entry in ClinVar:

NM_001128840.3(CACNA1D):c.1104_1105inv (p.Val369Met)

Gene: CACNA1D (calcium voltage-gated channel subunit alpha1 D; plus strand). Cytogenetic location: 3p21.1.
Variant type: Inversion.
Coding change: c.1104_1105inv on transcript NM_001128840.3 (MANE Select).
Protein change: p.Val369Met; replaces valine 369 with methionine.
Molecular consequence: missense variant.
Genome position: GRCh38 VCF-style: chr3-53666523-TG-CA. GRCh37 (hg19) VCF-style: chr3-53700550-TG-CA.
Other names: c.1104_1105inv, p.Val369Met (NM_000720.4, NM_001128839.3); short protein forms V369M.
Identifiers: ClinVar variation 1373349 (VCV001373349.6), ClinGen allele CA2573137371.
Genomic context (GRCh38, chr3:53,666,523, plus strand): 5'-TAACTTTGCCTTTGCCATGCTTACTGTGTTTCAGTGCATCACCATGGAGGGCTGGACAGA[TG>CA]TGCTCTACTGGGTAAGTACCCTGGGGAGAGAGTTTATGGAGTGTTCTTTGCTTGGATAAG-3'
Protein context (NP_001122312.1, residues 359-379): QCITMEGWTD[Val369Met]LYWMNDAMGF

ClinVar aggregate classification (germline): Uncertain significance. Review status: criteria provided, multiple submitters, no conflicts (2 of 4 stars). 2 submissions from 2 submitters: Uncertain significance (2). Last evaluated 2025-11-22.

Submissions (2):

Labcorp Genetics (formerly Invitae), Labcorp
Classification: Uncertain significance. Last evaluated: 2025-11-22. Review status: criteria provided, single submitter. Criteria: Invitae Variant Classification Sherloc (09022015). Collection method: clinical testing. Allele origin: germline.
Comment: This sequence change replaces valine, which is neutral and non-polar, with methionine, which is neutral and non-polar, at codon 369 of the CACNA1D protein (p.Val369Met). Information on the frequency of this variant in the gnomAD database is not available, as this variant may be reported differently in the database. This variant has not been reported in the literature in individuals affected with CACNA1D-related conditions. ClinVar contains an entry for this variant (Variation ID: 1373349). Experimental studies and prediction algorithms are not available or were not evaluated, and the functional significance of this variant is currently unknown. In summary, the available evidence is currently insufficient to determine the role of this variant in disease. Therefore, it has been classified as a Variant of Uncertain Significance.

Blueprint Genetics
Classification: Uncertain significance. Last evaluated: 2022-05-27. Review status: criteria provided, single submitter. Criteria: ACMG Guidelines, 2015. Collection method: clinical testing. Allele origin: germline.